The following is an entry in ClinVar:

ClinVar aggregate classification (germline): Conflicting classifications of pathogenicity. Review status: criteria provided, conflicting classifications (1 of 4 stars). 15 submissions from 15 submitters: Uncertain significance (7); Benign (1); Likely benign (6). 1 of the submissions does not count toward it. Last evaluated 2026-02-04.

Conditions:
NF2-related disorder. Also called: NF2-related condition.
Neurofibromatosis, type 2 (SWNV). Also called: NF2-Related Schwannomatosis; SCHWANNOMATOSIS, VESTIBULAR; BILATERAL ACOUSTIC NEUROFIBROMATOSIS. Identifiers: Orphanet 637, MedGen C0027832, MONDO:0007039, OMIM 101000. Disease mechanism: loss of function.
Familial meningioma. Also called: Meningioma, familial, susceptibility to. Identifiers: Orphanet 263662, MedGen C3551915, MONDO:0011789, OMIM 607174.
Hereditary cancer-predisposing syndrome. Also called: Tumor predisposition; Hereditary neoplastic syndrome; Hereditary Cancer Syndrome; Neoplastic Syndromes, Hereditary. Identifiers: Orphanet 140162, MedGen C0027672, MeSH D009386, MONDO:0015356.

Allele frequency attached by ClinVar (database versions not stated): gnomAD exomes 0.00001 and 0.00003; ExAC 0.00007; TOPMed 0.00008; gnomAD 0.00013 and 0.00014; 1000 Genomes Project 0.00020; 1000 Genomes Project 30x 0.00031.
gnomAD v4.1: 78 of 1,603,310 alleles (0.0049%); highest among the groups gnomAD compares: Admixed American, 0.024%; 2 homozygotes.

Submissions (15):

Labcorp Genetics (formerly Invitae), Labcorp
Classification: Benign for Neurofibromatosis, type 2. Last evaluated: 2026-02-04. Review status: criteria provided, single submitter. Criteria: Invitae Variant Classification Sherloc (09022015). Collection method: clinical testing. Allele origin: germline.

PreventionGenetics, part of Exact Sciences
Classification: Uncertain significance for NF2-related condition. Last evaluated: 2026-01-12. Review status: criteria provided, single submitter. Criteria: ACMG Guidelines, 2015. Collection method: clinical testing. Allele origin: germline.
Comment: The NF2 c.107A>G variant is predicted to result in the amino acid substitution p.Asn36Ser. This variant was previously described in one individual who presented with suspected neurofibromatosis type 2 (Wallace et al. 2004. PubMed ID: 15684865) and in a patient with a mild form of vestibular schwannomas (Heineman et al. 2015. PubMed ID: 25931164). However, this variant has also been reported in a cohort of presumably healthy individuals (Table S1, Bodian et al. 2014. PubMed ID: 24728327). This variant is reported in 0.016% of alleles in individuals of East Asian descent in gnomAD, including two homozygotes in the larger gnomADv4.1.0 database. This variant has conflicting interpretations regarding its pathogenicity in ClinVar ranging from benign to uncertain (Variation ID: 134892). Although we suspect that this variant may be benign, at this time, the clinical significance of this variant is uncertain due to the absence of conclusive functional and genetic evidence.

Molecular Pathology, Peter Maccallum Cancer Centre
Classification: Likely benign for Neurofibromatosis, type 2. Last evaluated: 2025-02-13. Review status: criteria provided, single submitter. Criteria: ACMG Guidelines, 2015. Collection method: clinical testing. Allele origin: germline. Inheritance: Autosomal dominant inheritance.

Blueprint Genetics
Classification: Likely benign. Last evaluated: 2024-11-01. Review status: criteria provided, single submitter. Criteria: ACMG Guidelines, 2015. Collection method: clinical testing. Allele origin: germline.

CeGaT Center for Human Genetics Tuebingen
Classification: Uncertain significance. Last evaluated: 2023-11-01. Review status: criteria provided, single submitter. Criteria: CeGaT Center For Human Genetics Tuebingen Variant Classification Criteria Version 2. Collection method: clinical testing. Allele origin: germline. Affected: yes. Observed: 2 variant alleles.

Department of Pathology and Laboratory Medicine, Sinai Health System
Classification: Uncertain significance for Neurofibromatosis, type 2; Familial meningioma. Last evaluated: 2023-10-19. Review status: criteria provided, single submitter. Criteria: ACMG Guidelines, 2015. Collection method: clinical testing. Allele origin: germline. Affected: yes.

St. Jude Molecular Pathology, St. Jude Children's Research Hospital
Classification: Uncertain significance for Neurofibromatosis, type 2. Last evaluated: 2023-03-23. Review status: criteria provided, single submitter. Criteria: St. Jude Assertion Criteria 2020. Collection method: clinical testing. Allele origin: germline.
Comment: The NF2 c.107A>G (p.Asn36Ser) missense change has a maximum subpopulation frequency of 0.029% in gnomAD v2.1.1. The in silico tool REVEL predicts a benign effect on protein function, but to our knowledge this prediction has not been confirmed by functional studies. This variant has been reported in an individual with a vestibular schwannoma (PMID: 15684865). In summary, the evidence currently available is insufficient to determine the clinical significance of this variant. It has therefore been classified as of uncertain significance.

Color Diagnostics, LLC DBA Color Health
Classification: Likely benign for Neurofibromatosis, type 2. Last evaluated: 2022-03-11. Review status: criteria provided, single submitter. Criteria: ACMG Guidelines, 2015. Collection method: clinical testing. Allele origin: germline.

Sema4
Classification: Uncertain significance for Hereditary cancer-predisposing syndrome. Last evaluated: 2021-11-13. Review status: criteria provided, single submitter. Criteria: Sema4 Curation Guidelines. Collection method: curation. Allele origin: germline.
Comment: The NF2 c.107A>G (p.N36S) variant has been reported in heterozygosity in at least two individuals with vestibular schwannomas (PMID: 15684865, 25931164) as well as in several healthy individuals (PMID: 24728327). This variant was observed in 3/18900 chromosomes in the East Asian population according to the Genome Aggregation Database (PMID: 32461654). The variant has been reported in ClinVar (Variation ID 134892). Functional studies have not been performed, and in silico predictions of the variant's effect on protein function are inconclusive. The evidence is insufficient to meet ACMG/AMP criteria for classifying the variant as benign or pathogenic. Thus, the clinical significance of this variant is currently uncertain.

Genome-Nilou Lab
Classification: Likely benign for Neurofibromatosis, type 2. Last evaluated: 2021-11-07. Review status: criteria provided, single submitter. Criteria: ACMG Guidelines, 2015. Collection method: clinical testing. Allele origin: germline. Affected: no.

GeneDx
Classification: Likely benign. Last evaluated: 2021-03-26. Review status: criteria provided, single submitter. Criteria: GeneDx Variant Classification Process June 2021. Collection method: clinical testing. Allele origin: germline. Affected: yes.
Comment: In silico analysis supports that this missense variant does not alter protein structure/function; This variant is associated with the following publications: (PMID: 29618661, 32150022, 23975423, 25931164, 25925381, 16983642, 15684865, 24728327)

Revvity Omics, Revvity
Classification: Uncertain significance for Neurofibromatosis, type 2. Last evaluated: 2020-04-03. Review status: criteria provided, single submitter. Criteria: ACMG Guidelines, 2015. Collection method: clinical testing. Allele origin: germline.

Ambry Genetics
Classification: Likely benign for Hereditary cancer-predisposing syndrome. Last evaluated: 2018-12-14. Review status: criteria provided, single submitter. Criteria: Ambry Variant Classification Scheme 2023. Collection method: clinical testing. Allele origin: germline.

Eurofins Ntd Llc (ga)
Classification: Uncertain significance. Last evaluated: 2018-05-29. Review status: criteria provided, single submitter. Criteria: EGL ClinVar v180209 classification definitions. Collection method: clinical testing. Allele origin: germline. Observed: 1 variant allele, 1 heterozygote.

ITMI
No classification provided. Condition: AllHighlyPenetrant. Last evaluated: 2013-09-19. Review status: no classification provided. Collection method: reference population. Allele origin: germline. Not counted in ClinVar's aggregate classification.
Comment: Please see associated publication for description of ethnicities

Literature cited by the submitters: PubMed 15684865 (cited by 3 submitters); PubMed 25931164 (cited by Sema4 and Ambry Genetics); PubMed 24728327 (cited by 3 submitters).

NM_000268.4(NF2):c.107A>G (p.Asn36Ser)

Gene: NF2 (NF2, moesin-ezrin-radixin like (MERLIN) tumor suppressor; plus strand). Cytogenetic location: 22q12.2.
Variant type: single nucleotide variant.
Coding change: c.107A>G on transcript NM_000268.4 (MANE Select); coding-DNA position 107, A replaced by G.
Protein change: p.Asn36Ser; replaces asparagine 36 with serine.
Molecular consequence: missense variant. On other transcripts: non-coding transcript variant (1).
Genome position (GRCh38, 1-based): chr22:29,604,105, A>G. VCF-style: chr22-29604105-A-G. GRCh37 (hg19) VCF-style: chr22-30000094-A-G.
Other names: c.107A>G, p.Asn36Ser (NM_016418.5, NM_181825.3, NM_181828.3 and 5 more transcripts); c.107A>G (NM_181832.2); short protein forms N36S.
Identifiers: ClinVar variation 134892 (VCV000134892.56), dbSNP rs372279458, ClinGen allele CA021291.